The following is an entry in ClinVar:

ClinVar aggregate classification (germline): Uncertain significance (1 of 4 stars; one submission).

Submission:

Labcorp Genetics (formerly Invitae), Labcorp
Classification: Uncertain significance. Last evaluated: 2022-03-13. Review status: criteria provided, single submitter. Criteria: Invitae Variant Classification Sherloc (09022015). Collection method: clinical testing. Allele origin: germline.
Comment: In summary, the available evidence is currently insufficient to determine the role of this variant in disease. Therefore, it has been classified as a Variant of Uncertain Significance. This variant has not been reported in the literature in individuals affected with MAGEL2-related conditions. This variant is present in population databases (rs760710950, gnomAD 0.02%). This variant, c.934_954dup, results in the insertion of 7 amino acid(s) of the MAGEL2 protein (p.Ala312_Pro318dup), but otherwise preserves the integrity of the reading frame.

NM_019066.5(MAGEL2):c.934_954dup (p.Pro318_Met319insAlaAlaProProAlaGlnPro)

Gene: MAGEL2 (MAGE family member L2; minus strand). Cytogenetic location: 15q11.2.
Variant type: Duplication.
Coding change: c.934_954dup on transcript NM_019066.5 (MANE Select); coding-DNA positions 934 to 954, 21 bases duplicated (GCGGCCCCACCTGCACAGCCG).
Protein change: p.Pro318_Met319insAlaAlaProProAlaGlnPro.
Molecular consequence: inframe insertion.
Genome position (GRCh38, 1-based): chr15:23,646,789-23,646,809, CGGCTGTGCAGGTGGGGCCGC duplicated on the plus strand (GCGGCCCCACCTGCACAGCCG on the coding strand, the reverse complement: MAGEL2 is on the minus strand); duplicating any 21 consecutive bases within chr15:23,646,789-23,646,818 gives the same sequence; the c. name uses the placement nearest the transcript's 3' end. VCF-style (leftmost placement, unchanged base first): chr15-23646788-T-TCGGCTGTGCAGGTGGGGCCGC. GRCh37 (hg19) VCF-style: chr15-23891935-T-TCGGCTGTGCAGGTGGGGCCGC.
Identifiers: ClinVar variation 2111012 (VCV002111012.4), dbSNP rs760710950, ClinGen allele CA7430064.